The following is an entry in ClinVar:

ClinVar aggregate classification (germline): Uncertain significance (1 of 4 stars; one submission).

Conditions:
Primary ciliary dyskinesia. Also called: Ciliary dyskinesia. Identifiers: Orphanet 244, MedGen C0008780, MONDO:0016575, HP:0012265.

gnomAD v4.1: 2 of 1,614,016 alleles (0.00012%); highest among the groups gnomAD compares: Non-Finnish European, 0.00017%; no homozygotes.

Submission:

Labcorp Genetics (formerly Invitae), Labcorp
Classification: Uncertain significance for Primary ciliary dyskinesia. Last evaluated: 2024-12-23. Review status: criteria provided, single submitter. Criteria: Invitae Variant Classification Sherloc (09022015). Collection method: clinical testing. Allele origin: germline.
Comment: This sequence change replaces proline, which is neutral and non-polar, with serine, which is neutral and polar, at codon 577 of the DNAI2 protein (p.Pro577Ser). The frequency data for this variant in the population databases is considered unreliable, as metrics indicate poor data quality at this position in the gnomAD database. This variant has not been reported in the literature in individuals affected with DNAI2-related conditions. Invitae Evidence Modeling of protein sequence and biophysical properties (such as structural, functional, and spatial information, amino acid conservation, physicochemical variation, residue mobility, and thermodynamic stability) indicates that this missense variant is not expected to disrupt DNAI2 protein function with a negative predictive value of 95%. In summary, the available evidence is currently insufficient to determine the role of this variant in disease. Therefore, it has been classified as a Variant of Uncertain Significance.

NM_023036.6(DNAI2):c.1729C>T (p.Pro577Ser)

Gene: DNAI2 (dynein axonemal intermediate chain 2; plus strand). Cytogenetic location: 17q25.1.
Variant type: single nucleotide variant.
Coding change: c.1729C>T on transcript NM_023036.6 (MANE Select); coding-DNA position 1729, C replaced by T.
Protein change: p.Pro577Ser; replaces proline 577 with serine.
Molecular consequence: missense variant. On other transcripts: non-coding transcript variant (1).
Genome position (GRCh38, 1-based): chr17:74,314,127, C>T. VCF-style: chr17-74314127-C-T. GRCh37 (hg19) VCF-style: chr17-72310266-C-T.
Other names: c.1693C>T, p.Pro565Ser (NM_001172810.3); c.1861C>T, p.Pro621Ser (NM_001353167.2); short protein forms P621S, P577S, P565S.
Identifiers: ClinVar variation 3657896 (VCV003657896.2).